The following is an entry in ClinVar:

NM_016247.4(IMPG2):c.829G>A (p.Val277Ile)

Gene: IMPG2 (interphotoreceptor matrix proteoglycan 2; minus strand). Cytogenetic location: 3q12.3.
Variant type: single nucleotide variant.
Coding change: c.829G>A on transcript NM_016247.4 (MANE Select); coding-DNA position 829, G replaced by A.
Protein change: p.Val277Ile; replaces valine 277 with isoleucine.
Molecular consequence: missense variant.
Genome position (GRCh38, 1-based): chr3:101,269,573, C>T on the plus strand (G>A on the coding strand, the complement: IMPG2 is on the minus strand). VCF-style: chr3-101269573-C-T. GRCh37 (hg19) VCF-style: chr3-100988417-C-T.
Other names: short protein forms V277I.
Identifiers: ClinVar variation 1497603 (VCV001497603.6), dbSNP rs771091564, ClinGen allele CA2519354.

ClinVar aggregate classification (germline): Uncertain significance (1 of 4 stars; one submission).

Allele frequency attached by ClinVar (database versions not stated): gnomAD exomes below 0.00001 and 0.00001; ExAC 0.00002.

Submission:

Labcorp Genetics (formerly Invitae), Labcorp
Classification: Uncertain significance. Last evaluated: 2021-11-06. Review status: criteria provided, single submitter. Criteria: Invitae Variant Classification Sherloc (09022015). Collection method: clinical testing. Allele origin: germline.
Comment: This sequence change replaces valine, which is neutral and non-polar, with isoleucine, which is neutral and non-polar, at codon 277 of the IMPG2 protein (p.Val277Ile). This variant is present in population databases (rs771091564, gnomAD 0.002%). This variant has not been reported in the literature in individuals affected with IMPG2-related conditions. Algorithms developed to predict the effect of missense changes on protein structure and function output the following: SIFT: "Tolerated"; PolyPhen-2: "Benign"; Align-GVGD: "Class C0". The isoleucine amino acid residue is found in multiple mammalian species, which suggests that this missense change does not adversely affect protein function. In summary, the available evidence is currently insufficient to determine the role of this variant in disease. Therefore, it has been classified as a Variant of Uncertain Significance.